The following is an entry in ClinVar:

ClinVar aggregate classification (germline): Uncertain significance (1 of 4 stars; one submission).

Conditions:
PGM1-congenital disorder of glycosylation. Also called: CDG It; Congenital disorder of glycosylation type 1t; PHOSPHOGLUCOMUTASE 1 DEFICIENCY; PGM1 DEFICIENCY; GLYCOGEN STORAGE DISEASE XIV; GSD XIV. Identifiers: Orphanet 319646, MedGen C2752015, MONDO:0013968, OMIM 614921.

Allele frequency attached by ClinVar (database versions not stated): gnomAD exomes 0.00002; gnomAD 0.00004 and 0.00005; TOPMed 0.00020.
gnomAD v4.1: 13 of 1,607,586 alleles (0.00081%); highest among the groups gnomAD compares: Admixed American, 0.022%; no homozygotes.

Submission:

Labcorp Genetics (formerly Invitae), Labcorp
Classification: Uncertain significance for PGM1-congenital disorder of glycosylation. Last evaluated: 2019-08-14. Review status: criteria provided, single submitter. Criteria: Invitae Variant Classification Sherloc (09022015). Collection method: clinical testing. Allele origin: germline.
Comment: In summary, the available evidence is currently insufficient to determine the role of this variant in disease. Therefore, it has been classified as a Variant of Uncertain Significance. Algorithms developed to predict the effect of missense changes on protein structure and function (SIFT, PolyPhen-2, Align-GVGD) all suggest that this variant is likely to be disruptive, but these predictions have not been confirmed by published functional studies and their clinical significance is uncertain. This variant has not been reported in the literature in individuals with PGM1-related conditions. This variant is not present in population databases (ExAC no frequency). This sequence change replaces glycine with arginine at codon 60 of the PGM1 protein (p.Gly60Arg). The glycine residue is highly conserved and there is a moderate physicochemical difference between glycine and arginine.

NM_002633.3(PGM1):c.178G>C (p.Gly60Arg)

Genes: PGM1 (phosphoglucomutase 1; plus strand), LOC129930668 (ATAC-STARR-seq lymphoblastoid active region 1127; plus strand). Cytogenetic location: 1p31.3.
Variant type: single nucleotide variant.
Coding change: c.178G>C on transcript NM_002633.3 (MANE Select); coding-DNA position 178, G replaced by C.
Protein change: p.Gly60Arg; replaces glycine 60 with arginine.
Molecular consequence: missense variant.
Genome position (GRCh38, 1-based): chr1:63,593,666, G>C. VCF-style: chr1-63593666-G-C. GRCh37 (hg19) VCF-style: chr1-64059337-G-C.
Other names: short protein forms G60R.
Identifiers: ClinVar variation 950179 (VCV000950179.10), dbSNP rs1287963513, ClinGen allele CA340639267.